The following is an entry in ClinVar:

NM_213655.5(WNK1):c.2777C>T (p.Ala926Val)

Gene: WNK1 (WNK lysine deficient protein kinase 1; plus strand). Cytogenetic location: 12p13.33.
Variant type: single nucleotide variant.
Coding change: c.2777C>T on transcript NM_213655.5 (MANE Plus Clinical); coding-DNA position 2777, C replaced by T.
Protein change: p.Ala926Val; replaces alanine 926 with valine.
Molecular consequence: missense variant. On other transcripts: intron variant (2).
Genome position (GRCh38, 1-based): chr12:868,248, C>T. VCF-style: chr12-868248-C-T. GRCh37 (hg19) VCF-style: chr12-977414-C-T.
Other names: p.Ala926Val; c.2522C>T, p.Ala841Val (NM_001184985.2); c.2140-3017C>T (NM_018979.4, NM_014823.3); short protein forms A841V, A926V.
Identifiers: ClinVar variation 3380058 (VCV003380058.1).

ClinVar aggregate classification (germline): Uncertain significance (1 of 4 stars; one submission).

gnomAD v4.1: 5 of 1,602,700 alleles (0.00031%); highest among the groups gnomAD compares: Non-Finnish European, 0.00034%; no homozygotes.

Submission:

Mayo Clinic Laboratories, Mayo Clinic
Classification: Uncertain significance. Last evaluated: 2023-07-25. Review status: criteria provided, single submitter. Criteria: ACMG Guidelines, 2015. Collection method: clinical testing. Allele origin: germline. Observed: 1 variant allele.
Comment: BP4, PM2_moderate